The following is an entry in ClinVar:

ClinVar aggregate classification (germline): Likely benign. Review status: criteria provided, single submitter (1 of 4 stars). 2 submissions from 2 submitters: Likely benign (1). 1 of the submissions does not count toward it. Last evaluated 2025-10-15.

Conditions:
PLCB1-related disorder. Also called: PLCB1-related condition.
Developmental and epileptic encephalopathy, 12 (DEE12). Identifiers: MedGen C3150988, MONDO:0013389, OMIM 613722.

Allele frequency attached by ClinVar (database versions not stated): gnomAD 0.00001 and 0.00002; gnomAD exomes 0.00001 and 0.00003; ExAC 0.00002; TOPMed 0.00002; ESP Exome Variant Server 0.00008.
gnomAD v4.1: 42 of 1,611,574 alleles (0.0026%); highest among the groups gnomAD compares: Non-Finnish European, 0.0033%; no homozygotes.

Submissions (2):

Labcorp Genetics (formerly Invitae), Labcorp
Classification: Likely benign for Developmental and epileptic encephalopathy, 12. Last evaluated: 2025-10-15. Review status: criteria provided, single submitter. Criteria: Invitae Variant Classification Sherloc (09022015). Collection method: clinical testing. Allele origin: germline.

PreventionGenetics, part of Exact Sciences
Classification: Likely benign for PLCB1-related condition. Last evaluated: 2019-06-03. Review status: no assertion criteria provided. Collection method: clinical testing. Allele origin: germline. Not counted in ClinVar's aggregate classification.
Comment: This variant is classified as likely benign based on ACMG/AMP sequence variant interpretation guidelines (Richards et al. 2015 PMID: 25741868, with internal and published modifications).

NM_015192.4(PLCB1):c.2946C>T (p.Ser982=)

Gene: PLCB1 (phospholipase C beta 1; plus strand). Cytogenetic location: 20p12.3.
Variant type: single nucleotide variant.
Coding change: c.2946C>T on transcript NM_015192.4 (MANE Select); coding-DNA position 2946, C replaced by T.
Protein change: p.Ser982=; no amino-acid change (serine 982 retained).
Molecular consequence: synonymous variant.
Genome position (GRCh38, 1-based): chr20:8,774,554, C>T. VCF-style: chr20-8774554-C-T. GRCh37 (hg19) VCF-style: chr20-8755201-C-T.
Other names: c.2946C>T, p.Ser982= (NM_182734.3).
Identifiers: ClinVar variation 733591 (VCV000733591.13), dbSNP rs369387650, ClinGen allele CA9760427.
Genomic context (GRCh38, chr20:8,774,554, plus strand): 5'-GTTATGGCCTGTCTGTTTTGTGAGTCAAACTCTGTGTCTTTGCAGATCGGAACCCAGCAG[C>T]CCTGATCATGGTTCATCAACGATTGAGCAAGACCTCGCTGCTCTGGATGCTGAAATGACC-3'
Protein context (NP_056007.1, residues 972-992): KDSKKKSEPS[Ser982=]PDHGSSTIEQ